The following is an entry in ClinVar:

ClinVar aggregate classification (germline): Benign (1 of 4 stars; one submission).

Allele frequency attached by ClinVar (database versions not stated): TOPMed 0.82937; gnomAD 0.83151 and 0.83418; 1000 Genomes Project 30x 0.84135; 1000 Genomes Project 0.84724.
gnomAD v4.1: 126,884 of 152,020 alleles (83%); highest among the groups gnomAD compares: East Asian, 98%; 53,193 homozygotes.

Submission:

GeneDx
Classification: Benign. Last evaluated: 2018-06-14. Review status: criteria provided, single submitter. Criteria: GeneDx Variant Classification (06012015). Collection method: clinical testing. Allele origin: germline. Affected: yes.
Comment: This variant is considered likely benign or benign based on one or more of the following criteria: it is a conservative change, it occurs at a poorly conserved position in the protein, it is predicted to be benign by multiple in silico algorithms, and/or has population frequency not consistent with disease.

NM_006073.4(TRDN):c.853+243C>T

Gene: TRDN (triadin; minus strand). Cytogenetic location: 6q22.31.
Variant type: single nucleotide variant.
Coding change: c.853+243C>T on transcript NM_006073.4 (MANE Select); 243 bases into the intron after coding-DNA position 853, C replaced by T.
Molecular consequence: intron variant.
Genome position (GRCh38, 1-based): chr6:123,496,950, G>A on the plus strand (C>T on the coding strand, the complement: TRDN is on the minus strand). VCF-style: chr6-123496950-G-A. GRCh37 (hg19) VCF-style: chr6-123818095-G-A.
Other names: c.853+243C>T (NM_001251987.2); c.793+6769C>T (NM_001256020.2).
Identifiers: ClinVar variation 678038 (VCV000678038.1), dbSNP rs9401673, ClinGen allele CA16278890.